The following is an entry in ClinVar:

ClinVar aggregate classification (germline): Uncertain significance (1 of 4 stars; one submission).

Submission:

Genetic Services Laboratory, University of Chicago
Classification: Uncertain significance. Last evaluated: 2021-10-06. Review status: criteria provided, single submitter. Criteria: ACMG Guidelines, 2015. Collection method: clinical testing. Allele origin: germline. Affected: no.
Comment: DNA sequence analysis of the USP45 gene demonstrated a two base pair deletion in exon 6, c.570_571del. This sequence change results in an amino acid frameshift and creates a premature stop codon 11 amino acids downstream of the change p.Gly191Asnfs*11. This sequence change is predicted to result in an abnormal transcript, which may be degraded, or may lead to the production of a truncated USP45 protein with potentially abnormal function. This sequence change has been described in the gnomAD database in one individual which corresponds to a population frequency of 0.00041%. This sequence change does not appear to have been previously described in individuals with USP45-related disorders. Due to the limited information on pathogenic variants in this gene and due to the lack of functional studies the clinical significance of the p.Gly191Asnfs*11 change remains unknown at this time.

NM_001346022.3(USP45):c.570_571del (p.Gly191fs)

Genes: TSTD3 (thiosulfate sulfurtransferase like domain containing 3; plus strand), USP45 (ubiquitin specific peptidase 45; minus strand). Cytogenetic location: 6q16.2.
Variant type: Microsatellite.
Coding change: c.570_571del on transcript NM_001346022.3 (MANE Select); coding-DNA positions 570 to 571, 2 bases deleted (AG; older notation c.570_571delAG).
Protein change: p.Gly191fs; shifts the reading frame from glycine 191.
Molecular consequence: frameshift variant. On other transcripts: 5 prime UTR variant (3), non-coding transcript variant (5).
Genome position (GRCh38, 1-based): chr6:99,488,728-99,488,729, CT deleted on the plus strand (AG on the coding strand, the reverse complement: USP45 is on the minus strand); deleting any 2 consecutive bases within chr6:99,488,728-99,488,731 gives the same sequence; the c. name uses the placement nearest the transcript's 3' end. VCF-style (leftmost placement, unchanged base first): chr6-99488727-CCT-C. GRCh37 (hg19) VCF-style: chr6-99936603-CCT-C.
Other names: c.570_571del, p.Gly191fs (NM_001080481.3, NM_001346021.3, NM_001346024.3 and 4 more transcripts); c.567_568del, p.Gly190fs (NM_001346023.3, NM_001346025.3); c.-558AG[1] (NM_001346027.3, NM_001346029.3); c.-421AG[1] (NM_001346028.3); short protein forms G190fs, G191fs.
Identifiers: ClinVar variation 1338662 (VCV001338662.4), dbSNP rs1463066356, ClinGen allele CA569091968.
Genomic context (GRCh38, chr6:99,488,727, plus strand): 5'-CTGATGACTCTTACCTGCATGACTGCATTAAAAAAGCAAGTATTTCCTAAATTTGTAATT[CCT>C]CTTACAGATAAATTTCTGCATTTTCCTCCCTTCTGTATTTCATCTGTTTCACATTTTTCT-3'